The following is an entry in ClinVar:

NM_015474.4(SAMHD1):c.127A>T (p.Lys43Ter)

Gene: SAMHD1 (SAM and HD domain containing deoxynucleoside triphosphate triphosphohydrolase 1; minus strand). Cytogenetic location: 20q11.23.
Variant type: single nucleotide variant.
Coding change: c.127A>T on transcript NM_015474.4 (MANE Select); coding-DNA position 127, A replaced by T.
Protein change: p.Lys43Ter; replaces lysine 43 with a stop codon.
Molecular consequence: nonsense.
Genome position (GRCh38, 1-based): chr20:36,951,517, T>A on the plus strand (A>T on the coding strand, the complement: SAMHD1 is on the minus strand). VCF-style: chr20-36951517-T-A. GRCh37 (hg19) VCF-style: chr20-35579920-T-A.
Other names: c.127A>T, p.Lys43Ter (NM_001363729.2, NM_001363733.2); short protein forms K43*.
Identifiers: ClinVar variation 1455178 (VCV001455178.6), dbSNP rs2146160649, ClinGen allele CA408832287.
Genomic context (GRCh38, chr20:36,951,517, plus strand): 5'-CCGGCTCTTCAAAGCCACCGCGCCTGAGGAAGGAGCACACCTGCTCCGGACCCCATGTCT[T>A]GTAGTCGGGATGGAGTTCCAGGCCCGGGGACCAGTCTGCCTCTGCGGAAGGGGTGTTTGA-3'

ClinVar aggregate classification (germline): Pathogenic (1 of 4 stars; one submission).

Conditions:
Aicardi-Goutieres syndrome 5. Identifiers: Orphanet 51, MedGen C2749659, MONDO:0013059, OMIM 612952.

Submission:

Labcorp Genetics (formerly Invitae), Labcorp
Classification: Pathogenic for Aicardi-Goutieres syndrome 5. Last evaluated: 2021-06-05. Review status: criteria provided, single submitter. Criteria: Invitae Variant Classification Sherloc (09022015). Collection method: clinical testing. Allele origin: germline.
Comment: This variant has not been reported in the literature in individuals with SAMHD1-related conditions. This variant is not present in population databases (ExAC no frequency). This sequence change creates a premature translational stop signal (p.Lys43*) in the SAMHD1 gene. It is expected to result in an absent or disrupted protein product. Loss-of-function variants in SAMHD1 are known to be pathogenic (PMID: 19525956, 22461318). For these reasons, this variant has been classified as Pathogenic.

Literature cited by the submitters: PubMed 19525956; PubMed 22461318.